The following is an entry in ClinVar:

ClinVar aggregate classification (germline): Likely benign (1 of 4 stars; one submission).

Conditions:
PKD1L1-related disorder. Also called: PKD1L1-related condition.

Allele frequency attached by ClinVar (database versions not stated): ExAC 0.00001; gnomAD 0.00001.
gnomAD v4.1: 11 of 1,614,026 alleles (0.00068%); highest among the groups gnomAD compares: South Asian, 0.0066%; no homozygotes.

Submission:

PreventionGenetics, part of Exact Sciences
Classification: Likely benign for PKD1L1-related condition. Last evaluated: 2025-06-18. Review status: criteria provided, single submitter. Criteria: ACMG Guidelines, 2015. Collection method: clinical testing. Allele origin: germline.
Comment: This variant is classified as likely benign based on ACMG/AMP sequence variant interpretation guidelines (Richards et al. 2015 PMID: 25741868, with internal and published modifications).

NM_138295.5(PKD1L1):c.7053G>A (p.Pro2351=)

Genes: PKD1L1 (polycystin 1 like 1, transient receptor potential channel interacting; minus strand), PKD1L1-AS1 (PKD1L1 antisense RNA 1; plus strand). Cytogenetic location: 7p12.3.
Variant type: single nucleotide variant.
Coding change: c.7053G>A on transcript NM_138295.5 (MANE Select); coding-DNA position 7053, G replaced by A.
Protein change: p.Pro2351=; no amino-acid change (proline 2351 retained).
Molecular consequence: synonymous variant.
Genome position (GRCh38, 1-based): chr7:47,815,370, C>T on the plus strand (G>A on the coding strand, the complement: PKD1L1 is on the minus strand). VCF-style: chr7-47815370-C-T. GRCh37 (hg19) VCF-style: chr7-47854968-C-T.
Identifiers: ClinVar variation 2636613 (VCV002636613.2), dbSNP rs764806906, ClinGen allele CA4252147.